The following is an entry in ClinVar:

ClinVar aggregate classification (germline): Uncertain significance (1 of 4 stars; one submission).

Conditions:
3-hydroxy-3-methylglutaryl-CoA synthase deficiency (HMGCS2D). Also called: MITOCHONDRIAL HMG-CoA SYNTHASE DEFICIENCY; HMG-CoA synthase-2 deficiency; HMGCS2 DEFICIENCY. Identifiers: Orphanet 35701, MedGen C2751532, MONDO:0011614, OMIM 605911.

Allele frequency attached by ClinVar (database versions not stated): gnomAD 0.00001; gnomAD exomes 0.00001; TOPMed 0.00001; ExAC 0.00002.
gnomAD v4.1: 12 of 1,613,988 alleles (0.00074%); highest among the groups gnomAD compares: East Asian, 0.0045%; no homozygotes.

Submission:

Labcorp Genetics (formerly Invitae), Labcorp
Classification: Uncertain significance for 3-hydroxy-3-methylglutaryl-CoA synthase deficiency. Last evaluated: 2022-08-18. Review status: criteria provided, single submitter. Criteria: Invitae Variant Classification Sherloc (09022015). Collection method: clinical testing. Allele origin: germline.
Comment: Algorithms developed to predict the effect of missense changes on protein structure and function output the following: SIFT: "Tolerated"; PolyPhen-2: "Benign"; Align-GVGD: "Class C0". The arginine amino acid residue is found in multiple mammalian species, which suggests that this missense change does not adversely affect protein function. This sequence change replaces glycine, which is neutral and non-polar, with arginine, which is basic and polar, at codon 339 of the HMGCS2 protein (p.Gly339Arg). This variant is present in population databases (rs775277893, gnomAD 0.01%). This variant has not been reported in the literature in individuals affected with HMGCS2-related conditions. In summary, the available evidence is currently insufficient to determine the role of this variant in disease. Therefore, it has been classified as a Variant of Uncertain Significance.

NM_005518.4(HMGCS2):c.1015G>A (p.Gly339Arg)

Gene: HMGCS2 (3-hydroxy-3-methylglutaryl-CoA synthase 2; minus strand). Cytogenetic location: 1p12.
Variant type: single nucleotide variant.
Coding change: c.1015G>A on transcript NM_005518.4 (MANE Select); coding-DNA position 1015, G replaced by A.
Protein change: p.Gly339Arg; replaces glycine 339 with arginine.
Molecular consequence: missense variant.
Genome position (GRCh38, 1-based): chr1:119,757,274, C>T on the plus strand (G>A on the coding strand, the complement: HMGCS2 is on the minus strand). VCF-style: chr1-119757274-C-T. GRCh37 (hg19) VCF-style: chr1-120299897-C-T.
Other names: c.889G>A, p.Gly297Arg (NM_001166107.1); short protein forms G339R, G297R.
Identifiers: ClinVar variation 2059840 (VCV002059840.4), dbSNP rs775277893, ClinGen allele CA1037716.